The following is an entry in ClinVar:

NM_213653.4(HJV):c.1006G>T (p.Gly336Ter)

Gene: HJV (hemojuvelin BMP co-receptor; minus strand). Cytogenetic location: 1q21.1.
Variant type: single nucleotide variant.
Coding change: c.1006G>T on transcript NM_213653.4 (MANE Select); coding-DNA position 1006, G replaced by T.
Protein change: p.Gly336Ter; replaces glycine 336 with a stop codon.
Molecular consequence: nonsense.
Genome position (GRCh38, 1-based): chr1:146,018,352, C>A on the plus strand (G>T on the coding strand, the complement: HJV is on the minus strand). VCF-style: chr1-146018352-C-A. GRCh37 (hg19) VCF-style: chr1-145416661-G-T.
Other names: c.328G>T, p.Gly110Ter (NM_001316767.2, NM_202004.4, NM_213652.4); c.1006G>T, p.Gly336Ter (NM_001379352.1); c.667G>T, p.Gly223Ter (NM_145277.5); short protein forms G336*, G223*, G110*.
Identifiers: ClinVar variation 560162 (VCV000560162.8), dbSNP rs1553769428, ClinGen allele CA342134645.

ClinVar aggregate classification (germline): Pathogenic. Review status: criteria provided, multiple submitters, no conflicts (2 of 4 stars). 4 submissions from 4 submitters: Pathogenic (3). 1 of the submissions does not count toward it. Last evaluated 2025-10-01.

Conditions:
Hemochromatosis type 2A (HFE2A). Also called: Adult-Onset Hemochromatosis; HJV (HFE2)-Related Juvenile Hemochromatosis. Identifiers: Orphanet 79230, MedGen C1865614, MONDO:0011216, OMIM 602390.

gnomAD v4.1: 1 of 1,614,206 alleles (0.000062%); highest among the groups gnomAD compares: South Asian, 0.0011%; no homozygotes.

Submissions (4):

Labcorp Genetics (formerly Invitae), Labcorp
Classification: Pathogenic. Last evaluated: 2025-10-01. Review status: criteria provided, single submitter. Criteria: Invitae Variant Classification Sherloc (09022015). Collection method: clinical testing. Allele origin: germline.
Comment: This sequence change creates a premature translational stop signal (p.Gly336*) in the HJV gene. While this is not anticipated to result in nonsense mediated decay, it is expected to disrupt the last 91 amino acid(s) of the HJV protein. This variant is not present in population databases (gnomAD no frequency). This premature translational stop signal has been observed in individuals with hereditary hemochromatosis (PMID: 30195625). ClinVar contains an entry for this variant (Variation ID: 560162). Algorithms developed to predict the effect of sequence changes on RNA splicing suggest that this variant may create or strengthen a splice site. For these reasons, this variant has been classified as Pathogenic.

Natera, Inc.
Classification: Pathogenic for Hemochromatosis type 2A. Last evaluated: 2025-03-13. Review status: criteria provided, single submitter. Criteria: Natera Variant Classification Schema (03/2026). Collection method: clinical testing. Allele origin: germline.
Comment: The c.1006G>T variant in HJV is a nonsense variant predicted to introduce a stop codon at amino acid 336. This variant is expected to result in nonsense mediated decay, truncation, or a dysfunctional protein product. This variant is rare in the general population with a frequency below the threshold expected for the associated phenotype(s). This variant has been observed in one or more individuals affected with the associated recessive disease, as either homozygous or compound heterozygous with a second variant (PMID: 3019562). Given the available evidence, this variant is classified as Pathogenic.

Fulgent Genetics
Classification: Pathogenic for Hemochromatosis type 2A. Last evaluated: 2024-02-06. Review status: criteria provided, single submitter. Criteria: ACMG Guidelines, 2015. Collection method: clinical testing. Allele origin: germline.

Department of Hematology - Research Laboratory 1, Postgraduate Institute of Medical Education and Research
Classification: Pathogenic for Hemochromatosis type 2A. Last evaluated: 2018-06-06. Review status: no assertion criteria provided. Collection method: research. Allele origin: germline. Affected: yes. Observed: 4 variant alleles, 4 homozygotes. Clinical features observed: Cirhosis with hepatomegaly, Diabetes mellitus, Hyperpigmentation, Hypothyroidism. Not counted in ClinVar's aggregate classification.
Comment: This variant was found in four patients (includes two females and two males). NM_213653.3(HJV):c.1006 G>T(p.Gly336Ter) was not found in 150 alleles of unrelated hematologically normal individuals.

Literature cited by the submitters: PubMed 30195625 (cited by Labcorp Genetics (formerly Invitae), Labcorp); PubMed 3019562 (cited by Natera, Inc.).